The following is an entry in ClinVar:

NM_012254.3(SLC27A5):c.513C>G (p.Ala171=)

Gene: SLC27A5 (solute carrier family 27 member 5; minus strand). Cytogenetic location: 19q13.43.
Variant type: single nucleotide variant.
Coding change: c.513C>G on transcript NM_012254.3 (MANE Select); coding-DNA position 513, C replaced by G.
Protein change: p.Ala171=; no amino-acid change (alanine 171 retained).
Molecular consequence: synonymous variant. On other transcripts: intron variant (1).
Genome position (GRCh38, 1-based): chr19:58,511,443, G>C on the plus strand (C>G on the coding strand, the complement: SLC27A5 is on the minus strand). VCF-style: chr19-58511443-G-C. GRCh37 (hg19) VCF-style: chr19-59022810-G-C.
Other names: c.436+77C>G (NM_001321196.2); c.513C>G (NM_012254.2).
Identifiers: ClinVar variation 502646 (VCV000502646.7), dbSNP rs139127895, ClinGen allele CA9718269.

ClinVar aggregate classification (germline): Uncertain significance. Review status: criteria provided, single submitter (1 of 4 stars). 2 submissions from 2 submitters: Uncertain significance (1). 1 of the submissions does not count toward it. Last evaluated 2017-06-20.

Conditions:
SLC27A5-related disorder. Also called: SLC27A5-related condition.

Allele frequency attached by ClinVar (database versions not stated): 1000 Genomes Project 30x 0.00016; 1000 Genomes Project 0.00020; ESP Exome Variant Server 0.00039; gnomAD 0.00042 and 0.00047; TOPMed 0.00044.
gnomAD v4.1: 110 of 1,600,248 alleles (0.0069%); highest among the groups gnomAD compares: African/African-American, 0.13%; no homozygotes.

Submissions (2):

Eurofins Ntd Llc (ga)
Classification: Uncertain significance. Last evaluated: 2017-06-20. Review status: criteria provided, single submitter. Criteria: EGL Classification Definitions 2015. Collection method: clinical testing. Allele origin: germline. Observed: 2 variant alleles, 2 heterozygotes.

PreventionGenetics, part of Exact Sciences
Classification: Likely benign for SLC27A5-related condition. Last evaluated: 2021-12-06. Review status: no assertion criteria provided. Collection method: clinical testing. Allele origin: germline. Not counted in ClinVar's aggregate classification.
Comment: This variant is classified as likely benign based on ACMG/AMP sequence variant interpretation guidelines (Richards et al. 2015 PMID: 25741868, with internal and published modifications).